The following is an entry in ClinVar:

NM_001035.3(RYR2):c.3987G>A (p.Gly1329=)

Genes: RYR2 (ryanodine receptor 2; plus strand), LOC126806067 (BRD4-independent group 4 enhancer GRCh37_chr1:237753258-237754457; plus strand). Cytogenetic location: 1q43.
Variant type: single nucleotide variant.
Coding change: c.3987G>A on transcript NM_001035.3 (MANE Select); coding-DNA position 3987, G replaced by A.
Protein change: p.Gly1329=; no amino-acid change (glycine 1329 retained).
Molecular consequence: synonymous variant.
Genome position (GRCh38, 1-based): chr1:237,590,819, G>A. VCF-style: chr1-237590819-G-A. GRCh37 (hg19) VCF-style: chr1-237754119-G-A.
Other names: c.3987G>A (NM_001035.2).
Identifiers: ClinVar variation 923120 (VCV000923120.14), dbSNP rs775470259, ClinGen allele CA086514.

ClinVar aggregate classification (germline): Likely benign. Review status: criteria provided, multiple submitters, no conflicts (2 of 4 stars). 4 submissions from 4 submitters: Likely benign (4). Last evaluated 2025-09-08.

Conditions:
Cardiovascular phenotype. Identifiers: MedGen CN230736.
Catecholaminergic polymorphic ventricular tachycardia (CVPT). Also called: Catecholamine-induced polymorphic ventricular tachycardia. Identifiers: Orphanet 3286, MedGen C5574922, MONDO:0017990.
Cardiomyopathy (CMYO). Also called: Cardiomyopathies. Identifiers: Orphanet 167848, MedGen C0878544, MONDO:0004994, HP:0001638. Inheritance: Various modes of inheritance.
Catecholaminergic polymorphic ventricular tachycardia 1. Also called: VENTRICULAR TACHYCARDIA, CATECHOLAMINERGIC POLYMORPHIC, 1, WITH OR WITHOUT ATRIAL DYSFUNCTION AND/OR DILATED CARDIOMYOPATHY; RYR2-Related Catecholaminergic Polymorphic Ventricular Tachycardia; VENTRICULAR TACHYCARDIA, STRESS-INDUCED POLYMORPHIC 1. Identifiers: Orphanet 3286, MedGen C1631597, MONDO:0011484, OMIM 604772.

Allele frequency attached by ClinVar (database versions not stated): TOPMed below 0.00001; ExAC 0.00001; gnomAD 0.00001; gnomAD exomes 0.00001.
gnomAD v4.1: 28 of 1,613,684 alleles (0.0017%); highest among the groups gnomAD compares: South Asian, 0.0022%; no homozygotes.

Submissions (4):

Labcorp Genetics (formerly Invitae), Labcorp
Classification: Likely benign for Catecholaminergic polymorphic ventricular tachycardia 1. Last evaluated: 2025-09-08. Review status: criteria provided, single submitter. Criteria: Invitae Variant Classification Sherloc (09022015). Collection method: clinical testing. Allele origin: germline.

All of Us Research Program, National Institutes of Health
Classification: Likely benign for Catecholaminergic polymorphic ventricular tachycardia. Last evaluated: 2023-08-15. Review status: criteria provided, single submitter. Criteria: ACMG Guidelines, 2015. Collection method: clinical testing. Allele origin: germline. Inheritance: Autosomal dominant inheritance. Observed: 2 variant alleles, 2 heterozygotes.
Comment: This study involves interpretation of variants in research participants for the purpose of population health screening. Participant phenotype was not available at the time of variant classification. Additional details can be found in publication PMID: 35346344, PMCID: PMC8962531

Ambry Genetics
Classification: Likely benign for Cardiovascular phenotype. Last evaluated: 2021-04-01. Review status: criteria provided, single submitter. Criteria: Ambry Variant Classification Scheme 2023. Collection method: clinical testing. Allele origin: germline.

Color Diagnostics, LLC DBA Color Health
Classification: Likely benign for Cardiomyopathy. Last evaluated: 2019-03-30. Review status: criteria provided, single submitter. Criteria: ACMG Guidelines, 2015. Collection method: clinical testing. Allele origin: germline.